The following is an entry in ClinVar:

ClinVar aggregate classification (germline): Pathogenic (1 of 4 stars; one submission).

Conditions:
Granulomatous disease, chronic, X-linked. Also called: GRANULOMATOUS DISEASE, CHRONIC, X-LINKED, SOMATIC MOSAIC; CYTOCHROME b-NEGATIVE GRANULOMATOUS DISEASE, CHRONIC, X-LINKED. Identifiers: Orphanet 379, MedGen C1844376, MONDO:0010600, OMIM 306400.

Submission:

Labcorp Genetics (formerly Invitae), Labcorp
Classification: Pathogenic for Granulomatous disease, chronic, X-linked. Last evaluated: 2022-06-18. Review status: criteria provided, single submitter. Criteria: Invitae Variant Classification Sherloc (09022015). Collection method: clinical testing. Allele origin: germline.
Comment: For these reasons, this variant has been classified as Pathogenic. This variant is also known as deltaG52, Val14>f.s.. This premature translational stop signal has been observed in individual(s) with chronic granulomatous disease (PMID: 9794433). This variant is not present in population databases (gnomAD no frequency). This sequence change creates a premature translational stop signal (p.Val14Serfs*8) in the CYBB gene. It is expected to result in an absent or disrupted protein product. Loss-of-function variants in CYBB are known to be pathogenic (PMID: 9585602, 20729109).

Literature cited by the submitters: PubMed 9794433; PubMed 9585602; PubMed 20729109.

NM_000397.4(CYBB):c.40del (p.Val14fs)

Genes: CYBB (cytochrome b-245 beta chain; plus strand), LOC130068093 (ATAC-STARR-seq lymphoblastoid active region 29519; plus strand). Cytogenetic location: Xp21.1.
Variant type: Deletion.
Coding change: c.40del on transcript NM_000397.4 (MANE Select); coding-DNA position 40, one base deleted (G; older notation c.40delG).
Protein change: p.Val14fs; shifts the reading frame from valine 14.
Molecular consequence: frameshift variant.
Genome position (GRCh38, 1-based): chrX:37,780,117, G deleted. VCF-style (leftmost placement, unchanged base first): chrX-37780116-TG-T. GRCh37 (hg19) VCF-style: chrX-37639369-TG-T.
Other names: short protein forms V14fs.
Identifiers: ClinVar variation 2138518 (VCV002138518.4), dbSNP rs2519189260, ClinGen allele CA2580100781.